The following is an entry in ClinVar:

NM_016464.5(TMEM138):c.327C>T (p.Ser109=)

Gene: TMEM138 (transmembrane protein 138; plus strand). Cytogenetic location: 11q12.2.
Variant type: single nucleotide variant.
Coding change: c.327C>T on transcript NM_016464.5 (MANE Select); coding-DNA position 327, C replaced by T.
Protein change: p.Ser109=; no amino-acid change (serine 109 retained).
Molecular consequence: synonymous variant. On other transcripts: non-coding transcript variant (1).
Genome position (GRCh38, 1-based): chr11:61,367,949, C>T. VCF-style: chr11-61367949-C-T. GRCh37 (hg19) VCF-style: chr11-61135421-C-T.
Other names: c.153C>T, p.Ser51= (NM_001330281.2).
Identifiers: ClinVar variation 305063 (VCV000305063.21), dbSNP rs201318247, ClinGen allele CA6034593.

ClinVar aggregate classification (germline): Conflicting classifications of pathogenicity. Review status: criteria provided, conflicting classifications (1 of 4 stars). 5 submissions from 5 submitters: Uncertain significance (1); Benign (1); Likely benign (2). 1 of the submissions does not count toward it. Last evaluated 2025-12-31.

Conditions:
TMEM138-related disorder. Also called: TMEM138-related condition.
Joubert syndrome 16 (JBTS16). Identifiers: Orphanet 2318, MedGen C3280906, MONDO:0013764, OMIM 614465.

Allele frequency attached by ClinVar (database versions not stated): TOPMed 0.00022; gnomAD exomes 0.00024 and 0.00051; gnomAD 0.00027 and 0.00028; ESP Exome Variant Server 0.00031; ExAC 0.00044.
gnomAD v4.1: 420 of 1,613,542 alleles (0.026%); highest among the groups gnomAD compares: Middle Eastern, 0.23%; no homozygotes.

Submissions (5):

Labcorp Genetics (formerly Invitae), Labcorp
Classification: Benign for Joubert syndrome 16. Last evaluated: 2025-12-31. Review status: criteria provided, single submitter. Criteria: Invitae Variant Classification Sherloc (09022015). Collection method: clinical testing. Allele origin: germline.

Blueprint Genetics
Classification: Likely benign. Last evaluated: 2024-08-23. Review status: criteria provided, single submitter. Criteria: ACMG Guidelines, 2015. Collection method: clinical testing. Allele origin: germline.

GeneDx
Classification: Likely benign. Last evaluated: 2018-08-13. Review status: criteria provided, single submitter. Criteria: GeneDx Variant Classification Process June 2021. Collection method: clinical testing. Allele origin: germline. Affected: yes.

Illumina Laboratory Services, Illumina
Classification: Uncertain significance for Joubert syndrome 16. Last evaluated: 2018-01-13. Review status: criteria provided, single submitter. Criteria: ICSL Variant Classification Criteria 13 December 2019. Collection method: clinical testing. Allele origin: germline.

PreventionGenetics, part of Exact Sciences
Classification: Benign for TMEM138-related condition. Last evaluated: 2019-07-22. Review status: no assertion criteria provided. Collection method: clinical testing. Allele origin: germline. Not counted in ClinVar's aggregate classification.
Comment: This variant is classified as benign based on ACMG/AMP sequence variant interpretation guidelines (Richards et al. 2015 PMID: 25741868, with internal and published modifications).